The following is an entry in ClinVar:

ClinVar aggregate classification (germline): Uncertain significance (1 of 4 stars; one submission).

Conditions:
Werner syndrome (WRN). Identifiers: Orphanet 902, MedGen C0043119, MONDO:0010196, OMIM 277700.

Submission:

Labcorp Genetics (formerly Invitae), Labcorp
Classification: Uncertain significance for Werner syndrome. Last evaluated: 2022-01-31. Review status: criteria provided, single submitter. Criteria: Invitae Variant Classification Sherloc (09022015). Collection method: clinical testing. Allele origin: germline.
Comment: In summary, the available evidence is currently insufficient to determine the role of this variant in disease. Therefore, it has been classified as a Variant of Uncertain Significance. Variants that disrupt the consensus splice site are a relatively common cause of aberrant splicing (PMID: 17576681, 9536098). Algorithms developed to predict the effect of sequence changes on RNA splicing suggest that this variant may disrupt the consensus splice site. Algorithms developed to predict the effect of missense changes on protein structure and function are either unavailable or do not agree on the potential impact of this missense change (SIFT: "Not Available"; PolyPhen-2: "Benign"; Align-GVGD: "Not Available"). This variant has not been reported in the literature in individuals affected with WRN-related conditions. This variant is not present in population databases (gnomAD no frequency). This sequence change replaces aspartic acid, which is acidic and polar, with asparagine, which is neutral and polar, at codon 526 of the WRN protein (p.Asp526Asn). This variant also falls at the last nucleotide of exon 12, which is part of the consensus splice site for this exon.

Literature cited by the submitters: PubMed 17576681; PubMed 9536098.

NM_000553.6(WRN):c.1576G>A (p.Asp526Asn)

Gene: WRN (WRN RecQ like helicase; plus strand). Cytogenetic location: 8p12.
Variant type: single nucleotide variant.
Coding change: c.1576G>A on transcript NM_000553.6 (MANE Select); coding-DNA position 1576, G replaced by A.
Protein change: p.Asp526Asn; replaces aspartic acid 526 with asparagine.
Molecular consequence: missense variant.
Genome position (GRCh38, 1-based): chr8:31,087,920, G>A. VCF-style: chr8-31087920-G-A. GRCh37 (hg19) VCF-style: chr8-30945436-G-A.
Other names: short protein forms D526N.
Identifiers: ClinVar variation 2190153 (VCV002190153.4), dbSNP rs1813600127, ClinGen allele CA370925024.